The following is an entry in ClinVar:

ClinVar aggregate classification (germline): Uncertain significance (1 of 4 stars; one submission).

Conditions:
Tuberous sclerosis 2 (TSC2). Identifiers: Orphanet 805, MedGen C1860707, MONDO:0013199, OMIM 613254.

Submission:

Labcorp Genetics (formerly Invitae), Labcorp
Classification: Uncertain significance for Tuberous sclerosis 2. Last evaluated: 2022-03-10. Review status: criteria provided, single submitter. Criteria: Invitae Variant Classification Sherloc (09022015). Collection method: clinical testing. Allele origin: germline.
Comment: In summary, the available evidence is currently insufficient to determine the role of this variant in disease. Therefore, it has been classified as a Variant of Uncertain Significance. Advanced modeling of protein sequence and biophysical properties (such as structural, functional, and spatial information, amino acid conservation, physicochemical variation, residue mobility, and thermodynamic stability) performed at Invitae indicates that this missense variant is not expected to disrupt TSC2 protein function. This variant has not been reported in the literature in individuals affected with TSC2-related conditions. This variant is not present in population databases (gnomAD no frequency). This sequence change replaces aspartic acid, which is acidic and polar, with glycine, which is neutral and non-polar, at codon 647 of the TSC2 protein (p.Asp647Gly).

NM_000548.5(TSC2):c.1940A>G (p.Asp647Gly)

Gene: TSC2 (TSC complex subunit 2; plus strand). Cytogenetic location: 16p13.3.
Variant type: single nucleotide variant.
Coding change: c.1940A>G on transcript NM_000548.5 (MANE Select); coding-DNA position 1940, A replaced by G.
Protein change: p.Asp647Gly; replaces aspartic acid 647 with glycine.
Molecular consequence: missense variant.
Genome position (GRCh38, 1-based): chr16:2,071,610, A>G. VCF-style: chr16-2071610-A-G. GRCh37 (hg19) VCF-style: chr16-2121611-A-G.
Other names: c.1940A>G, p.Asp647Gly (NM_001077183.3, NM_001114382.3, NM_001363528.2 and 6 more transcripts); c.1829A>G, p.Asp610Gly (NM_001318827.2, NM_001406670.1, NM_001406678.1); c.1793A>G, p.Asp598Gly (NM_001318829.2, NM_001406675.1, NM_001406676.1 and 1 more transcripts); c.1340A>G, p.Asp447Gly (NM_001318831.2, NM_001406688.1, NM_001406680.1 and 6 more transcripts); c.1973A>G, p.Asp658Gly (NM_001318832.2); c.2030A>G, p.Asp677Gly (NM_001406667.1, NM_001406668.1); c.1928A>G, p.Asp643Gly (NM_001406671.1, NM_001406673.1); c.1883A>G, p.Asp628Gly (NM_001406677.1); and 3 more; short protein forms D199G, D447G, D677G, D598G, D643G, D628G, D647G, D113G.
Identifiers: ClinVar variation 2108392 (VCV002108392.4), dbSNP rs2151299187, ClinGen allele CA394273384.